The following is an entry in ClinVar:

NM_001368894.2(PAX6):c.399+1G>C

Gene: PAX6 (paired box 6; minus strand). Cytogenetic location: 11p13.
Variant type: single nucleotide variant.
Coding change: c.399+1G>C on transcript NM_001368894.2 (MANE Select); the canonical splice donor site of the intron after coding-DNA position 399, G replaced by C.
Molecular consequence: splice donor variant. On other transcripts: 5 prime UTR variant (3), intron variant (8).
Genome position (GRCh38, 1-based): chr11:31,801,560, C>G on the plus strand (G>C on the coding strand, the complement: PAX6 is on the minus strand). VCF-style: chr11-31801560-C-G. GRCh37 (hg19) VCF-style: chr11-31823108-C-G.
Other names: c.-382G>C (NM_001310160.2, NM_001368902.2, NM_001368905.2); c.357+1G>C (NM_001127612.3, NM_001368890.2, NM_001368888.2 and 10 more transcripts); c.198+202G>C (NM_001368921.2, NM_001368923.2, NM_001368926.2 and 4 more transcripts); c.399+1G>C (NM_001258462.3, NM_001310158.2, NM_001258463.2 and 6 more transcripts); c.474+1G>C (NM_001368919.2, NM_001368918.2); c.600+1G>C (NM_001368910.2); c.-52+1G>C (NM_001368909.2, NM_001368904.2, NM_001368906.2 and 8 more transcripts); c.402+1G>C (NM_001368911.2); and 2 more.
Identifiers: ClinVar variation 1459661 (VCV001459661.7), dbSNP rs398123295, ClinGen allele CA379958431.
Genomic context (GRCh38, chr11:31,801,560, plus strand): 5'-GGTAAAGAGGAGAGAGCATTGGGCTTAGGGCAGGGAGGGCAGATGTTCTCAATGAACTTA[C>G]GCTTGGTATGTTATCGTTGGTACAGACCCCCTCGGACAGTAATCTGTCTCGGATTTCCCA-3'

ClinVar aggregate classification (germline): Pathogenic. Review status: criteria provided, multiple submitters, no conflicts (2 of 4 stars). 2 submissions from 2 submitters: Pathogenic (2). Last evaluated 2025-11-03.

Conditions:
Aniridia 1 (AN1). Identifiers: Orphanet 250923, MedGen C0344542, MONDO:0024507, OMIM 106210.
Irido-corneo-trabecular dysgenesis (ASGD5). Also called: ANTERIOR SEGMENT DYSGENESIS 5. Identifiers: Orphanet 708, MedGen C0344559, MONDO:0011414, OMIM 604229, HP:0000659.

Submissions (2):

Dasa
Classification: Pathogenic. Last evaluated: 2025-11-03. Review status: criteria provided, single submitter. Criteria: DASA Assertion Criteria. Collection method: clinical testing. Allele origin: germline.
Comment: NM_001368894.2(PAX6):c.399+1G>C introduces a premature termination codon predicted to result in loss of normal protein function. Loss-of-function is an established mechanism of disease for this gene. This variant results in the same amino acid change as a previously established pathogenic variant. This variant has been reported in individuals with related phenotype (PMID: 32360764). The variant is present at low frequency in population datasets. Based on the available data, this variant is classified as pathogenic.

Labcorp Genetics (formerly Invitae), Labcorp
Classification: Pathogenic for Aniridia 1; Irido-corneo-trabecular dysgenesis. Last evaluated: 2021-09-30. Review status: criteria provided, single submitter. Criteria: Invitae Variant Classification Sherloc (09022015). Collection method: clinical testing. Allele origin: germline.
Comment: Disruption of this splice site has been observed in individuals with aniridia (PMID: 8364574, 9452088, 18776953, 32360764). This variant is not present in population databases (ExAC no frequency). This sequence change affects a donor splice site in intron 6 of the PAX6 gene. It is expected to disrupt RNA splicing. Variants that disrupt the donor or acceptor splice site typically lead to a loss of protein function (PMID: 16199547), and loss-of-function variants in PAX6 are known to be pathogenic (PMID: 12634864). Algorithms developed to predict the effect of sequence changes on RNA splicing suggest that this variant may disrupt the consensus splice site. For these reasons, this variant has been classified as Pathogenic.

Literature cited by the submitters: PubMed 32360764 (cited by Dasa and Labcorp Genetics (formerly Invitae), Labcorp); PubMed 8364574 (cited by Labcorp Genetics (formerly Invitae), Labcorp); PubMed 9452088 (cited by Labcorp Genetics (formerly Invitae), Labcorp); PubMed 18776953 (cited by Labcorp Genetics (formerly Invitae), Labcorp); PubMed 16199547 (cited by Labcorp Genetics (formerly Invitae), Labcorp); PubMed 12634864 (cited by Labcorp Genetics (formerly Invitae), Labcorp).